The following is an entry in ClinVar:

ClinVar aggregate classification (germline): Uncertain significance (1 of 4 stars; one submission).

Conditions:
IFT172-related disorder. Also called: IFT172-related disorders; IFT172-related condition.

gnomAD v4.1: 5 of 1,613,982 alleles (0.00031%); highest among the groups gnomAD compares: African/African-American, 0.0013%; no homozygotes.

Submission:

PreventionGenetics, part of Exact Sciences
Classification: Uncertain significance for IFT172-related condition. Last evaluated: 2026-06-22. Review status: criteria provided, single submitter. Criteria: ACMG Guidelines, 2015. Collection method: clinical testing. Allele origin: germline.
Comment: The IFT172 c.2899C>T variant is predicted to result in the amino acid substitution p.Pro967Ser. To our knowledge, this variant has not been reported in the literature or in a large population database (gnomAD), indicating this variant is rare. At this time, the clinical significance of this variant is uncertain due to the absence of conclusive functional and genetic evidence.

NM_015662.3(IFT172):c.2899C>T (p.Pro967Ser)

Gene: IFT172 (intraflagellar transport 172; minus strand). Cytogenetic location: 2p23.3.
Variant type: single nucleotide variant.
Coding change: c.2899C>T on transcript NM_015662.3 (MANE Select); coding-DNA position 2899, C replaced by T.
Protein change: p.Pro967Ser; replaces proline 967 with serine.
Molecular consequence: missense variant.
Genome position (GRCh38, 1-based): chr2:27,458,202, G>A on the plus strand (C>T on the coding strand, the complement: IFT172 is on the minus strand). VCF-style: chr2-27458202-G-A. GRCh37 (hg19) VCF-style: chr2-27681069-G-A.
Other names: c.2833C>T, p.Pro945Ser (NM_001410739.1); short protein forms P945S, P967S.
Identifiers: ClinVar variation 4996602 (VCV004996602.1).